The following is an entry in ClinVar:

ClinVar aggregate classification (germline): Pathogenic (1 of 4 stars; one submission).

Conditions:
Hereditary breast ovarian cancer syndrome. Also called: Hereditary breast and/or ovarian cancer syndrome; Hereditary breast and ovarian cancer syndrome (HBOC); Breast and ovarian cancer; Hereditary breast and ovarian cancer; BRCA1- and BRCA2-Associated Hereditary Breast and Ovarian Cancer; Hereditary breast and ovarian cancer syndrome. Identifiers: Orphanet 145, MedGen C0677776, MeSH D061325, MONDO:0003582. Disease mechanism: loss of function.

Submission:

Labcorp Genetics (formerly Invitae), Labcorp
Classification: Pathogenic for Hereditary breast and ovarian cancer syndrome. Last evaluated: 2019-10-12. Review status: criteria provided, single submitter. Criteria: Invitae Variant Classification Sherloc (09022015). Collection method: clinical testing. Allele origin: germline.
Comment: This variant results in a copy number gain of the genomic region encompassing exons 13-15 of the BRCA1 gene. While the exact position of this variant cannot be determined from this data, sub-genic copy number gains are generally in tandem (PMID: 25640679) and may result in an absent or disrupted protein product. Similar copy number gain of exons 13-15 has been observed in an individual undergoing genetic counseling for hereditary breast and/or ovarian cancer syndrome (PMID: 18330910). Exons 13-15 are also known as exons 14-16 in the literature. Loss-of-function variants in BRCA1 are known to be pathogenic (PMID: 20104584). For these reasons, this variant has been classified as Pathogenic.

Literature cited by the submitters: PubMed 18330910.

NC_000017.11:g.(?_43070908)_(43076634_?)dup

Gene: BRCA1 (BRCA1 DNA repair associated; minus strand). Cytogenetic location: 17q21.31.
Variant type: Duplication.
Identifiers: ClinVar variation 833284 (VCV000833284.1).